The following is an entry in ClinVar:

NM_014516.4(CNOT3):c.1830G>A (p.Glu610=)

Gene: CNOT3 (CCR4-NOT transcription complex subunit 3; plus strand). Cytogenetic location: 19q13.42.
Variant type: single nucleotide variant.
Coding change: c.1830G>A on transcript NM_014516.4 (MANE Select); coding-DNA position 1830, G replaced by A.
Protein change: p.Glu610=; no amino-acid change (glutamic acid 610 retained).
Molecular consequence: synonymous variant. On other transcripts: non-coding transcript variant (2).
Genome position (GRCh38, 1-based): chr19:54,152,552, G>A. VCF-style: chr19-54152552-G-A. GRCh37 (hg19) VCF-style: chr19-54656289-G-A.
Other names: c.1833G>A, p.Glu611= (NM_001440653.1, NM_001440655.1, NM_001440657.1 and 3 more transcripts); c.1830G>A, p.Glu610= (NM_001440654.1, NM_001440656.1, NM_001440658.1 and 1 more transcripts); c.1287G>A, p.Glu429= (NM_001440659.1, NM_001440660.1).
Identifiers: ClinVar variation 5039178 (VCV005039178.1).

ClinVar aggregate classification (germline): Likely benign (1 of 4 stars; one submission).

gnomAD v4.1: 4 of 1,614,180 alleles (0.00025%); highest among the groups gnomAD compares: South Asian, 0.0044%; no homozygotes.

Submission:

CeGaT Center for Human Genetics Tuebingen
Classification: Likely benign. Last evaluated: 2026-07-01. Review status: criteria provided, single submitter. Criteria: CeGaT Center For Human Genetics Tuebingen Variant Classification Criteria Version 2. Collection method: clinical testing. Allele origin: germline. Affected: yes. Observed: 1 variant allele.
Comment: CNOT3: BP4, BP7